The following is an entry in ClinVar:

NM_014285.7(EXOSC2):c.335C>G (p.Ser112Cys)

Gene: EXOSC2 (exosome component 2; plus strand). Cytogenetic location: 9q34.12.
Variant type: single nucleotide variant.
Coding change: c.335C>G on transcript NM_014285.7 (MANE Select); coding-DNA position 335, C replaced by G.
Protein change: p.Ser112Cys; replaces serine 112 with cysteine.
Molecular consequence: missense variant. On other transcripts: non-coding transcript variant (1), intron variant (1).
Genome position (GRCh38, 1-based): chr9:130,698,226, C>G. VCF-style: chr9-130698226-C-G. GRCh37 (hg19) VCF-style: chr9-133573613-C-G.
Other names: c.335C>G, p.Ser112Cys (NM_001282708.1); c.270+599C>G (NM_001282709.1); short protein forms S112C.
Identifiers: ClinVar variation 1921942 (VCV001921942.5), dbSNP rs754145289, ClinGen allele CA5284822.

ClinVar aggregate classification (germline): Uncertain significance (1 of 4 stars; one submission).

Allele frequency attached by ClinVar (database versions not stated): gnomAD 0.00001; gnomAD exomes 0.00002; ExAC 0.00003.
gnomAD v4.1: 24 of 1,614,024 alleles (0.0015%); highest among the groups gnomAD compares: South Asian, 0.026%; no homozygotes.

Submission:

Labcorp Genetics (formerly Invitae), Labcorp
Classification: Uncertain significance. Last evaluated: 2022-08-31. Review status: criteria provided, single submitter. Criteria: Invitae Variant Classification Sherloc (09022015). Collection method: clinical testing. Allele origin: germline.
Comment: In summary, the available evidence is currently insufficient to determine the role of this variant in disease. Therefore, it has been classified as a Variant of Uncertain Significance. Algorithms developed to predict the effect of missense changes on protein structure and function are either unavailable or do not agree on the potential impact of this missense change (SIFT: "Deleterious"; PolyPhen-2: "Possibly Damaging"; Align-GVGD: "Class C0"). This variant has not been reported in the literature in individuals affected with EXOSC2-related conditions. This variant is present in population databases (rs754145289, gnomAD 0.04%). This sequence change replaces serine, which is neutral and polar, with cysteine, which is neutral and slightly polar, at codon 112 of the EXOSC2 protein (p.Ser112Cys).